The following is an entry in ClinVar:

NM_002755.4(MAP2K1):c.298C>G (p.His100Asp)

Gene: MAP2K1 (mitogen-activated protein kinase kinase 1; plus strand). Cytogenetic location: 15q22.31.
Variant type: single nucleotide variant.
Coding change: c.298C>G on transcript NM_002755.4 (MANE Select); coding-DNA position 298, C replaced by G.
Protein change: p.His100Asp; replaces histidine 100 with aspartic acid.
Molecular consequence: missense variant.
Genome position (GRCh38, 1-based): chr15:66,436,752, C>G. VCF-style: chr15-66436752-C-G. GRCh37 (hg19) VCF-style: chr15-66729090-C-G.
Other names: c.232C>G, p.His78Asp (NM_001411065.1); short protein forms H100D, H78D.
Identifiers: ClinVar variation 4804911 (VCV004804911.1).

ClinVar aggregate classification (germline): Uncertain significance (1 of 4 stars; one submission).

Conditions:
RASopathy. Also called: Noonan spectrum disorder; rasopathies. Identifiers: Orphanet 536391, MedGen C5555857, MONDO:0021060.

Submission:

Labcorp Genetics (formerly Invitae), Labcorp
Classification: Uncertain significance for RASopathy. Last evaluated: 2025-05-14. Review status: criteria provided, single submitter. Criteria: Invitae Variant Classification Sherloc (09022015). Collection method: clinical testing. Allele origin: germline.
Comment: This sequence change replaces histidine, which is basic and polar, with aspartic acid, which is acidic and polar, at codon 100 of the MAP2K1 protein (p.His100Asp). This variant is not present in population databases (gnomAD no frequency). This variant has not been reported in the literature in individuals affected with MAP2K1-related conditions. Invitae Evidence Modeling of protein sequence and biophysical properties (such as structural, functional, and spatial information, amino acid conservation, physicochemical variation, residue mobility, and thermodynamic stability) has been performed for this missense variant. However, the output from this modeling did not meet the statistical confidence thresholds required to predict the impact of this variant on MAP2K1 protein function. In summary, the available evidence is currently insufficient to determine the role of this variant in disease. Therefore, it has been classified as a Variant of Uncertain Significance.